The following is an entry in ClinVar:

NM_005431.2(XRCC2):c.363TAG[1] (p.Ser123del)

Gene: XRCC2 (X-ray repair cross complementing 2; minus strand). Cytogenetic location: 7q36.1.
Variant type: Microsatellite.
Coding change: c.363TAG[1] on transcript NM_005431.2 (MANE Select); one copy of the 3-base unit TAG starting at c.363; the reference has two copies in a row; one copy, 3 bases deleted.
Protein change: p.Ser123del; deletes serine 123.
Molecular consequence: inframe deletion.
Genome position (GRCh38, 1-based): chr7:152,649,117-152,649,119, CTA deleted on the plus strand (TAG on the coding strand, the reverse complement: XRCC2 is on the minus strand); deleting any 3 consecutive bases within chr7:152,649,117-152,649,124 gives the same sequence; the position shown is the placement nearest the transcript's 3' end. VCF-style (leftmost placement, unchanged base first): chr7-152649116-GCTA-G. GRCh37 (hg19) VCF-style: chr7-152346201-GCTA-G.
Other names: c.366_368delTAG (NM_005431.1); short protein forms S123del.
Identifiers: ClinVar variation 2175084 (VCV002175084.6), dbSNP rs912593113, ClinGen allele CA169486948.
Genomic context (GRCh38, chr7:152,649,116, plus strand): 5'-GAGAGATGGGTGACTACAAAACATACTTTCTAGTGAGTAAAGTGTAAGAAGTAAGTGGGT[GCTA>G]CTACTGCAGTACACCAAAAAAAATCTTCCCAGGCAGTATTTGATTATTTCTTCAGAGCTT-3'

ClinVar aggregate classification (germline): Uncertain significance. Review status: criteria provided, multiple submitters, no conflicts (2 of 4 stars). 2 submissions from 2 submitters: Uncertain significance (2). Last evaluated 2023-04-19.

Conditions:
Hereditary cancer-predisposing syndrome. Also called: Tumor predisposition; Hereditary neoplastic syndrome; Neoplastic Syndromes, Hereditary; Hereditary Cancer Syndrome. Identifiers: Orphanet 140162, MedGen C0027672, MeSH D009386, MONDO:0015356.

Submissions (2):

Labcorp Genetics (formerly Invitae), Labcorp
Classification: Uncertain significance. Last evaluated: 2023-04-19. Review status: criteria provided, single submitter. Criteria: Invitae Variant Classification Sherloc (09022015). Collection method: clinical testing. Allele origin: germline.
Comment: This variant, c.366_368del, results in the deletion of 1 amino acid(s) of the XRCC2 protein (p.Ser123del), but otherwise preserves the integrity of the reading frame. This variant is present in population databases (no rsID available, gnomAD 0.0009%). This variant has not been reported in the literature in individuals affected with XRCC2-related conditions. Experimental studies and prediction algorithms are not available or were not evaluated, and the functional significance of this variant is currently unknown. In summary, the available evidence is currently insufficient to determine the role of this variant in disease. Therefore, it has been classified as a Variant of Uncertain Significance.

Ambry Genetics
Classification: Uncertain significance for Hereditary cancer-predisposing syndrome. Last evaluated: 2023-03-02. Review status: criteria provided, single submitter. Criteria: Ambry Variant Classification Scheme 2023. Collection method: clinical testing. Allele origin: germline.
Comment: The c.366_368delTAG variant (also known as p.S123del) is located in coding exon 3 of the XRCC2 gene. This variant results from an in-frame TAG deletion at nucleotide positions 366 to 368. This results in the in-frame deletion of a serine at codon 123. This amino acid position is highly conserved in available vertebrate species. In addition, this alteration is predicted to be deleterious by in silico analysis (Choi Y et al. PLoS ONE. 2012; 7(10):e46688). Since supporting evidence is limited at this time, the clinical significance of this alteration remains unclear.